The following is an entry in ClinVar:

NM_001042492.3(NF1):c.1974C>T (p.Leu658=)

Gene: NF1 (neurofibromin 1; plus strand). Cytogenetic location: 17q11.2.
Variant type: single nucleotide variant.
Coding change: c.1974C>T on transcript NM_001042492.3 (MANE Select); coding-DNA position 1974, C replaced by T.
Protein change: p.Leu658=; no amino-acid change (leucine 658 retained).
Molecular consequence: synonymous variant.
Genome position (GRCh38, 1-based): chr17:31,225,223, C>T. VCF-style: chr17-31225223-C-T. GRCh37 (hg19) VCF-style: chr17-29552241-C-T.
Other names: c.1974C>T, p.Leu658= (NM_000267.4).
Identifiers: ClinVar variation 186846 (VCV000186846.16), dbSNP rs751318331, ClinGen allele CA196032.

ClinVar aggregate classification (germline): Benign/Likely benign. Review status: criteria provided, multiple submitters, no conflicts (2 of 4 stars). 5 submissions from 5 submitters: Benign (1); Likely benign (4). Last evaluated 2026-05-15.

Conditions:
Hereditary cancer-predisposing syndrome. Also called: Tumor predisposition; Hereditary neoplastic syndrome; Neoplastic Syndromes, Hereditary; Hereditary Cancer Syndrome. Identifiers: Orphanet 140162, MedGen C0027672, MeSH D009386, MONDO:0015356.
Neurofibromatosis, type 1 (NF1). Also called: Neurofibromatosis, type I; NEUROFIBROMATOSIS, TYPE I, SOMATIC; VON RECKLINGHAUSEN DISEASE; Peripheral type neurofibromatosis. Identifiers: Orphanet 636, MedGen C0027831, MONDO:0018975, OMIM 162200. Disease mechanism: loss of function.

Allele frequency attached by ClinVar (database versions not stated): gnomAD 0.00001; TOPMed below 0.00001.
gnomAD v4.1: 17 of 1,613,614 alleles (0.0011%); highest among the groups gnomAD compares: Non-Finnish European, 0.0011%; no homozygotes.

Submissions (5):

Myriad Genetics, Inc.
Classification: Benign for Neurofibromatosis, type 1. Last evaluated: 2026-05-15. Review status: criteria provided, single submitter. Criteria: Myriad Autosomal Dominant, Autosomal Recessive and X-Linked Classification Criteria (2023). Collection method: clinical testing. Allele origin: unknown.
Comment: This variant is considered benign. This variant is a silent/synonymous amino acid change and it is not expected to impact splicing.

Labcorp Genetics (formerly Invitae), Labcorp
Classification: Likely benign for Neurofibromatosis, type 1. Last evaluated: 2026-01-28. Review status: criteria provided, single submitter. Criteria: Invitae Variant Classification Sherloc (09022015). Collection method: clinical testing. Allele origin: germline.

Institute for Biomarker Research, Medical Diagnostic Laboratories, L.L.C.
Classification: Likely benign for Hereditary cancer-predisposing syndrome. Last evaluated: 2024-04-02. Review status: criteria provided, single submitter. Criteria: ACMG Guidelines, 2015. Collection method: clinical testing. Allele origin: germline.

Genome-Nilou Lab
Classification: Likely benign for Neurofibromatosis, type 1. Last evaluated: 2022-03-15. Review status: criteria provided, single submitter. Criteria: ACMG Guidelines, 2015. Collection method: clinical testing. Allele origin: germline. Affected: no.

Ambry Genetics
Classification: Likely benign for Hereditary cancer-predisposing syndrome. Last evaluated: 2014-10-24. Review status: criteria provided, single submitter. Criteria: Ambry Autosomal Dominant and X-Linked criteria (10/2015). Collection method: clinical testing. Allele origin: germline. Observed: 1 variant allele.